The following is an entry in ClinVar:

NM_001197104.2(KMT2A):c.4042G>A (p.Ala1348Thr)

Gene: KMT2A (lysine methyltransferase 2A; plus strand). Cytogenetic location: 11q23.3.
Variant type: single nucleotide variant.
Coding change: c.4042G>A on transcript NM_001197104.2 (MANE Select); coding-DNA position 4042, G replaced by A.
Protein change: p.Ala1348Thr; replaces alanine 1348 with threonine.
Molecular consequence: missense variant.
Genome position (GRCh38, 1-based): chr11:118,482,451, G>A. VCF-style: chr11-118482451-G-A. GRCh37 (hg19) VCF-style: chr11-118353166-G-A.
Other names: c.4141G>A, p.Ala1381Thr (NM_001412597.1); c.4042G>A, p.Ala1348Thr (NM_005933.4); short protein forms A1381T, A1348T.
Identifiers: ClinVar variation 3672571 (VCV003672571.2).

ClinVar aggregate classification (germline): Uncertain significance (1 of 4 stars; one submission).

Submission:

Labcorp Genetics (formerly Invitae), Labcorp
Classification: Uncertain significance. Last evaluated: 2024-10-30. Review status: criteria provided, single submitter. Criteria: Invitae Variant Classification Sherloc (09022015). Collection method: clinical testing. Allele origin: germline.
Comment: This sequence change replaces alanine, which is neutral and non-polar, with threonine, which is neutral and polar, at codon 1348 of the KMT2A protein (p.Ala1348Thr). This variant is not present in population databases (gnomAD no frequency). This variant has not been reported in the literature in individuals affected with KMT2A-related conditions. Invitae Evidence Modeling of protein sequence and biophysical properties (such as structural, functional, and spatial information, amino acid conservation, physicochemical variation, residue mobility, and thermodynamic stability) indicates that this missense variant is not expected to disrupt KMT2A protein function with a negative predictive value of 95%. In summary, the available evidence is currently insufficient to determine the role of this variant in disease. Therefore, it has been classified as a Variant of Uncertain Significance.